The following is an entry in ClinVar:

ClinVar aggregate classification (germline): Likely benign. Review status: criteria provided, multiple submitters, no conflicts (2 of 4 stars). 2 submissions from 2 submitters: Likely benign (2). Last evaluated 2025-11-04.

Allele frequency attached by ClinVar (database versions not stated): gnomAD 0.00002 and 0.00003; gnomAD exomes 0.00003 and 0.00001; ExAC 0.00005; ESP Exome Variant Server 0.00008; TOPMed 0.00005.
gnomAD v4.1: 20 of 1,472,836 alleles (0.0014%); highest among the groups gnomAD compares: Admixed American, 0.0074%; no homozygotes.

Submissions (2):

Labcorp Genetics (formerly Invitae), Labcorp
Classification: Likely benign. Last evaluated: 2025-11-04. Review status: criteria provided, single submitter. Criteria: Invitae Variant Classification Sherloc (09022015). Collection method: clinical testing. Allele origin: germline.

GeneDx
Classification: Likely benign. Last evaluated: 2018-05-30. Review status: criteria provided, single submitter. Criteria: GeneDx Variant Classification (06012015). Collection method: clinical testing. Allele origin: germline. Affected: yes.
Comment: This variant is considered likely benign or benign based on one or more of the following criteria: it is a conservative change, it occurs at a poorly conserved position in the protein, it is predicted to be benign by multiple in silico algorithms, and/or has population frequency not consistent with disease.

NM_032380.5(GFM2):c.609-4A>G

Gene: GFM2 (GTP dependent ribosome recycling factor mitochondrial 2; minus strand). Cytogenetic location: 5q13.3.
Variant type: single nucleotide variant.
Coding change: c.609-4A>G on transcript NM_032380.5 (MANE Select); 4 bases into the intron before coding-DNA position 609, A replaced by G.
Molecular consequence: intron variant.
Genome position (GRCh38, 1-based): chr5:74,746,169, T>C on the plus strand (A>G on the coding strand, the complement: GFM2 is on the minus strand). VCF-style: chr5-74746169-T-C. GRCh37 (hg19) VCF-style: chr5-74041994-T-C.
Other names: c.609-4A>G (NM_170691.3, NM_170681.3); c.705-4A>G (NM_001281302.2).
Identifiers: ClinVar variation 668334 (VCV000668334.4), dbSNP rs368894755, ClinGen allele CA3306736.